The following is an entry in ClinVar:

NM_006005.3(WFS1):c.2528A>G (p.Lys843Arg)

Gene: WFS1 (wolframin ER transmembrane glycoprotein; plus strand). Cytogenetic location: 4p16.1.
Variant type: single nucleotide variant.
Coding change: c.2528A>G on transcript NM_006005.3 (MANE Select); coding-DNA position 2528, A replaced by G.
Protein change: p.Lys843Arg; replaces lysine 843 with arginine.
Molecular consequence: missense variant.
Genome position (GRCh38, 1-based): chr4:6,302,323, A>G. VCF-style: chr4-6302323-A-G. GRCh37 (hg19) VCF-style: chr4-6304050-A-G.
Other names: c.2528A>G, p.Lys843Arg (NM_001145853.1); short protein forms K843R.
Identifiers: ClinVar variation 1707913 (VCV001707913.9), dbSNP rs763464027, ClinGen allele CA2839763.

ClinVar aggregate classification (germline): Uncertain significance. Review status: criteria provided, multiple submitters, no conflicts (2 of 4 stars). 5 submissions from 5 submitters: Uncertain significance (5). Last evaluated 2025-03-03.

Conditions:
Inborn genetic diseases. Identifiers: MedGen C0950123, MeSH D030342.
Autosomal dominant nonsyndromic hearing loss 6 (LFSNHL). Also called: DEAFNESS, AUTOSOMAL DOMINANT 14; DEAFNESS, AUTOSOMAL DOMINANT 38; Autosomal dominant nonsyndromic deafness 6; DEAFNESS, AUTOSOMAL DOMINANT 6. Identifiers: Orphanet 90635, MedGen C1833021, MONDO:0010963, OMIM 600965.
Type 2 diabetes mellitus. Also called: Type II diabetes mellitus. Identifiers: MedGen C0011860, MeSH D003924, MONDO:0005148, OMIM 125853, HP:0005978.
Cataract 41 (CTRCT41). Also called: CATARACT 41, CONGENITAL NUCLEAR TYPE. Identifiers: Orphanet 91492, Orphanet 98991, Orphanet 98992, Orphanet 98995, MedGen C3805412, MONDO:0007287, OMIM 116400.
Wolfram syndrome 1 (WFS1). Identifiers: Orphanet 3463, MedGen C4551693, MONDO:0009101, OMIM 222300.
Wolfram-like syndrome. Also called: HEARING LOSS, PROGRESSIVE, WITH OPTIC ATROPHY AND/OR IMPAIRED GLUCOSE REGULATION. Identifiers: Orphanet 411590, MedGen C3280358, MONDO:0013673, OMIM 614296.

Allele frequency attached by ClinVar (database versions not stated): ExAC 0.00001; gnomAD 0.00001.
gnomAD v4.1: 5 of 1,612,052 alleles (0.00031%); highest among the groups gnomAD compares: Admixed American, 0.0083%; no homozygotes.

Submissions (5):

Ambry Genetics
Classification: Uncertain significance for Inborn genetic diseases. Last evaluated: 2025-03-03. Review status: criteria provided, single submitter. Criteria: Ambry Variant Classification Scheme 2023. Collection method: clinical testing. Allele origin: germline.

Labcorp Genetics (formerly Invitae), Labcorp
Classification: Uncertain significance. Last evaluated: 2025-01-29. Review status: criteria provided, single submitter. Criteria: Invitae Variant Classification Sherloc (09022015). Collection method: clinical testing. Allele origin: germline.
Comment: This sequence change replaces lysine, which is basic and polar, with arginine, which is basic and polar, at codon 843 of the WFS1 protein (p.Lys843Arg). The frequency data for this variant in the population databases is considered unreliable, as metrics indicate poor data quality at this position in the gnomAD database. This variant has not been reported in the literature in individuals affected with WFS1-related conditions. ClinVar contains an entry for this variant (Variation ID: 1707913). Invitae Evidence Modeling of protein sequence and biophysical properties (such as structural, functional, and spatial information, amino acid conservation, physicochemical variation, residue mobility, and thermodynamic stability) has been performed for this missense variant. However, the output from this modeling did not meet the statistical confidence thresholds required to predict the impact of this variant on WFS1 protein function. In summary, the available evidence is currently insufficient to determine the role of this variant in disease. Therefore, it has been classified as a Variant of Uncertain Significance.

Fulgent Genetics
Classification: Uncertain significance for Cataract 41; Type 2 diabetes mellitus; Wolfram syndrome 1; Autosomal dominant nonsyndromic hearing loss 6; Wolfram-like syndrome. Last evaluated: 2024-06-10. Review status: criteria provided, single submitter. Criteria: ACMG Guidelines, 2015. Collection method: clinical testing. Allele origin: germline.

GeneDx
Classification: Uncertain significance. Last evaluated: 2023-01-18. Review status: criteria provided, single submitter. Criteria: GeneDx Variant Classification Process June 2021. Collection method: clinical testing. Allele origin: germline.
Comment: In silico analysis supports that this missense variant does not alter protein structure/function; Has not been previously published as pathogenic or benign to our knowledge

Blueprint Genetics
Classification: Uncertain significance. Last evaluated: 2017-12-29. Review status: criteria provided, single submitter. Criteria: ACMG Guidelines, 2015. Collection method: clinical testing. Allele origin: germline.